The following is an entry in ClinVar:

NM_212482.4(FN1):c.5219A>G (p.Lys1740Arg)

Gene: FN1 (fibronectin 1; minus strand). Cytogenetic location: 2q35.
Variant type: single nucleotide variant.
Coding change: c.5219A>G on transcript NM_212482.4 (MANE Select); coding-DNA position 5219, A replaced by G.
Protein change: p.Lys1740Arg; replaces lysine 1740 with arginine.
Molecular consequence: missense variant. On other transcripts: intron variant (10).
Genome position (GRCh38, 1-based): chr2:215,381,026, T>C on the plus strand (A>G on the coding strand, the complement: FN1 is on the minus strand). VCF-style: chr2-215381026-T-C. GRCh37 (hg19) VCF-style: chr2-216245749-T-C.
Other names: c.5219A>G, p.Lys1740Arg (NM_001306129.2); c.4946A>G, p.Lys1649Arg (NM_001365518.2, NM_001365520.2, NM_001365524.2 and 2 more transcripts); c.4891+1186A>G (NM_212474.3, NM_001306132.2, NM_001365523.2 and 2 more transcripts); c.5164+1186A>G (NM_001306130.2, NM_001365522.2, NM_001365519.2 and 2 more transcripts); short protein forms K1649R, K1740R.
Identifiers: ClinVar variation 2134070 (VCV002134070.4), dbSNP rs1470274039, ClinGen allele CA350474778.
Genomic context (GRCh38, chr2:215,381,026, plus strand): 5'-GGGCTCGAGTAGGTCACCCTGTACCTGGAAACTTGCCCCTGTGGGCTTTCCCAAGCAATT[T>C]TGATGGAATCGACATCCACATCAGTGAATGCCAGTCCTTTAGGGCGATCAATGTCTGTTA-3'
Protein context (NP_997647.2, residues 1730-1750): AFTDVDVDSI[Lys1740Arg]IAWESPQGQV

ClinVar aggregate classification (germline): Uncertain significance (1 of 4 stars; one submission).

gnomAD v4.1: 13 of 1,614,236 alleles (0.00081%); highest among the groups gnomAD compares: Non-Finnish European, 0.0011%; no homozygotes.

Submission:

Labcorp Genetics (formerly Invitae), Labcorp
Classification: Uncertain significance. Last evaluated: 2025-10-21. Review status: criteria provided, single submitter. Criteria: Invitae Variant Classification Sherloc (09022015). Collection method: clinical testing. Allele origin: germline.
Comment: This sequence change replaces lysine, which is basic and polar, with arginine, which is basic and polar, at codon 1740 of the FN1 protein (p.Lys1740Arg). This variant is not present in population databases (gnomAD no frequency). This variant has not been reported in the literature in individuals affected with FN1-related conditions. ClinVar contains an entry for this variant (Variation ID: 2134070). An algorithm developed to predict the effect of missense changes on protein structure and function (PolyPhen-2) suggests that this variant is likely to be disruptive. In summary, the available evidence is currently insufficient to determine the role of this variant in disease. Therefore, it has been classified as a Variant of Uncertain Significance.